The following is an entry in ClinVar:

ClinVar aggregate classification (germline): Uncertain significance (1 of 4 stars; one submission).

Allele frequency attached by ClinVar (database versions not stated): gnomAD 0.00006 and 0.00007; TOPMed 0.00008; gnomAD exomes 0.00009; ExAC 0.00012; 1000 Genomes Project 30x 0.00016; 1000 Genomes Project 0.00020; ESP Exome Variant Server 0.00023.

Submission:

Labcorp Genetics (formerly Invitae), Labcorp
Classification: Uncertain significance. Last evaluated: 2025-05-20. Review status: criteria provided, single submitter. Criteria: Invitae Variant Classification Sherloc (09022015). Collection method: clinical testing. Allele origin: germline.
Comment: This sequence change replaces arginine, which is basic and polar, with histidine, which is basic and polar, at codon 62 of the TMEM230 protein (p.Arg62His). This variant is present in population databases (rs149904653, gnomAD 0.03%). This missense change has been observed in individual(s) with Parkinson disease (PMID: 35861376). ClinVar contains an entry for this variant (Variation ID: 1448364). An algorithm developed to predict the effect of missense changes on protein structure and function (PolyPhen-2) suggests that this variant is likely to be disruptive. In summary, the available evidence is currently insufficient to determine the role of this variant in disease. Therefore, it has been classified as a Variant of Uncertain Significance.

Literature cited by the submitters: PubMed 35861376.

NM_001009925.2(TMEM230):c.-5G>A

Gene: TMEM230 (transmembrane protein 230; minus strand). Cytogenetic location: 20p12.3.
Variant type: single nucleotide variant.
Coding change: c.-5G>A on transcript NM_001009925.2 (MANE Select); 5 bases upstream of the start codon, G replaced by A.
Molecular consequence: 5 prime UTR variant.
Genome position (GRCh38, 1-based): chr20:5,109,435, C>T on the plus strand (G>A on the coding strand, the complement: TMEM230 is on the minus strand). VCF-style: chr20-5109435-C-T. GRCh37 (hg19) VCF-style: chr20-5090081-C-T.
Other names: c.-5G>A (NM_001009924.2, NM_001330984.2, NM_001330985.2 and 4 more transcripts).
Identifiers: ClinVar variation 1448364 (VCV001448364.6), dbSNP rs149904653, ClinGen allele CA9753462.